The following is an entry in ClinVar:

NM_000419.5(ITGA2B):c.2929C>T (p.Arg977Ter)

Gene: ITGA2B (integrin subunit alpha 2b; minus strand). Cytogenetic location: 17q21.31.
Variant type: single nucleotide variant.
Coding change: c.2929C>T on transcript NM_000419.5 (MANE Select); coding-DNA position 2929, C replaced by T.
Protein change: p.Arg977Ter; replaces arginine 977 with a stop codon.
Molecular consequence: nonsense.
Genome position (GRCh38, 1-based): chr17:44,374,673, G>A on the plus strand (C>T on the coding strand, the complement: ITGA2B is on the minus strand). VCF-style: chr17-44374673-G-A. GRCh37 (hg19) VCF-style: chr17-42452041-G-A.
Other names: c.2929C>T (NM_000419.3); short protein forms R977*.
Identifiers: ClinVar variation 953019 (VCV000953019.10), dbSNP rs79657230, ClinGen allele CA8602528.
Genomic context (GRCh38, chr17:44,374,673, plus strand): 5'-AATGGGTCCTGCAGGACTGGTCTCTGCTCCATCCCCCCACACTCACCTGAGCTTCCCCTC[G>A]GGGCAGGCTGAGCGGGGGCACCGCATAGGGGAGGGAGGACACGTTGAACCATGCGTGCGA-3'

ClinVar aggregate classification (germline): Pathogenic. Review status: reviewed by expert panel (3 of 4 stars). 4 submissions from 4 submitters: Pathogenic (1). 3 of the submissions do not count toward it. Last evaluated 2020-09-06.

Conditions:
Platelet-type bleeding disorder 16 (BDPLT16). Also called: Bleeding disorder, platelet-type, 16, autosomal dominant. Identifiers: Orphanet 140957, MedGen C5442010, MONDO:0008552, OMIM 187800.
Glanzmann thrombasthenia. Also called: THROMBASTHENIA OF GLANZMANN AND NAEGELI; Thrombasthenia; PLATELET GLYCOPROTEIN IIb-IIIa DEFICIENCY; Glanzmann's thrombasthenia. Identifiers: Orphanet 849, MedGen C0040015, MONDO:0100326.
Bleeding and platelet disorders.

Allele frequency attached by ClinVar (database versions not stated): ExAC 0.00001; gnomAD exomes 0.00001; TOPMed 0.00001.
gnomAD v4.1: 4 of 1,613,796 alleles (0.00025%); highest among the groups gnomAD compares: South Asian, 0.0022%; no homozygotes.

Submissions (4):

ClinGen Platelet Disorders Variant Curation Expert Panel, ClinGen
Classification: Pathogenic for Glanzmann thrombasthenia. Last evaluated: 2020-09-06. Review status: reviewed by expert panel. Criteria: ClinGen Platelet ACMG Specifications v2. Collection method: curation. Allele origin: germline. Inheritance: Autosomal recessive inheritance.
Comment: The NM_000419.5:c.2929C>T (p.Arg977Ter) nonsense variant occurs in exon 28 of 30 and is predicted to result in NMD. The variant is at an extremely low frequency of 0.00003266 in the South Asian population. The variant is reported in one compound heterozygous with pathogenic variant Pro176Ala individual who meets criteria for PP4 (PMID: 10607701). In summary, based on the evidence available at this time, the variant is classified as pathogenic. GT-specific criteria applied: PVS1, PM2_Supporting, PM3_Supporting, and PP4_Moderate.

North West Genomic Laboratory Hub, Manchester University NHS Foundation Trust
Classification: Pathogenic for Bleeding and platelet disorders. Last evaluated: 2025-05-08. Review status: criteria provided, single submitter. Criteria: ACGS Best Practice Guidelines for Variant Classification in Rare Disease 2024. Collection method: clinical testing. Allele origin: germline. Affected: yes. Not counted in ClinVar's aggregate classification.
Comment: PM2_Mod PVS1_VStr PM3_Supp

Labcorp Genetics (formerly Invitae), Labcorp
Classification: Pathogenic for Glanzmann thrombasthenia. Last evaluated: 2025-04-11. Review status: criteria provided, single submitter. Criteria: Invitae Variant Classification Sherloc (09022015). Collection method: clinical testing. Allele origin: germline. Not counted in ClinVar's aggregate classification.
Comment: This sequence change creates a premature translational stop signal (p.Arg977*) in the ITGA2B gene. It is expected to result in an absent or disrupted protein product. Loss-of-function variants in ITGA2B are known to be pathogenic (PMID: 21917754). This variant is present in population databases (rs79657230, gnomAD 0.003%). This premature translational stop signal has been observed in individual(s) with autosomal recessive Glanzmann thrombasthenia (PMID: 14687991, 32237906). This variant is also known as R946X. ClinVar contains an entry for this variant (Variation ID: 953019). Algorithms developed to predict the effect of sequence changes on RNA splicing suggest that this variant may disrupt the consensus splice site. For these reasons, this variant has been classified as Pathogenic.

ISTH-SSC Genomics in Thrombosis and Hemostasis, KU Leuven, Center for Molecular and Vascular Biology
Classification: Pathogenic for Platelet-type bleeding disorder 16. Review status: no assertion criteria provided. Collection method: research. Allele origin: unknown. Affected: yes. Not counted in ClinVar's aggregate classification.
Comment: Submitted to GoldVariant by Dr Karyn Mégy from NIHR Bioresource - Cambridge University, UK

Literature cited by the submitters: PubMed 10607701 (cited by ClinGen Platelet Disorders Variant Curation Expert Panel, ClinGen); PubMed 21917754 (cited by Labcorp Genetics (formerly Invitae), Labcorp); PubMed 14687991 (cited by Labcorp Genetics (formerly Invitae), Labcorp); PubMed 32237906 (cited by Labcorp Genetics (formerly Invitae), Labcorp).